The following is an entry in ClinVar:

ClinVar aggregate classification (germline): Uncertain significance (1 of 4 stars; one submission).

gnomAD v4.1: 1 of 1,614,002 alleles (0.000062%); highest among the groups gnomAD compares: Non-Finnish European, 0.000085%; no homozygotes.

Submission:

Mayo Clinic Laboratories, Mayo Clinic
Classification: Uncertain significance. Last evaluated: 2025-09-30. Review status: criteria provided, single submitter. Criteria: ACMG Guidelines, 2015. Collection method: clinical testing. Allele origin: germline. Observed: 1 variant allele.
Comment: PM2_supporting

NM_022041.4(GAN):c.1700G>T (p.Arg567Leu)

Gene: GAN (gigaxonin; plus strand). Cytogenetic location: 16q23.2.
Variant type: single nucleotide variant.
Coding change: c.1700G>T on transcript NM_022041.4 (MANE Select); coding-DNA position 1700, G replaced by T.
Protein change: p.Arg567Leu; replaces arginine 567 with leucine.
Molecular consequence: missense variant.
Genome position (GRCh38, 1-based): chr16:81,377,502, G>T. VCF-style: chr16-81377502-G-T. GRCh37 (hg19) VCF-style: chr16-81411107-G-T.
Other names: p.Arg567Leu; c.1061G>T, p.Arg354Leu (NM_001377486.1); short protein forms R354L, R567L.
Identifiers: ClinVar variation 4542047 (VCV004542047.1).